The following is an entry in ClinVar:

NM_001606.5(ABCA2):c.4540C>T (p.Arg1514Cys)

Gene: ABCA2 (ATP binding cassette subfamily A member 2; minus strand). Cytogenetic location: 9q34.3.
Variant type: single nucleotide variant.
Coding change: c.4540C>T on transcript NM_001606.5 (MANE Select); coding-DNA position 4540, C replaced by T.
Protein change: p.Arg1514Cys; replaces arginine 1514 with cysteine.
Molecular consequence: missense variant.
Genome position (GRCh38, 1-based): chr9:137,013,471, G>A on the plus strand (C>T on the coding strand, the complement: ABCA2 is on the minus strand). VCF-style: chr9-137013471-G-A. GRCh37 (hg19) VCF-style: chr9-139907923-G-A.
Other names: c.4537C>T, p.Arg1513Cys (NM_001411042.1); c.4630C>T, p.Arg1544Cys (NM_212533.3); short protein forms R1544C, R1514C, R1513C.
Identifiers: ClinVar variation 4989321 (VCV004989321.1).

ClinVar aggregate classification (germline): Uncertain significance (1 of 4 stars; one submission).

Conditions:
ABCA2-related disorder. Also called: ABCA2-related condition.

gnomAD v4.1: 49 of 1,606,032 alleles (0.0031%); highest among the groups gnomAD compares: East Asian, 0.0067%; no homozygotes.

Submission:

PreventionGenetics, part of Exact Sciences
Classification: Uncertain significance for ABCA2-related condition. Last evaluated: 2025-03-03. Review status: criteria provided, single submitter. Criteria: ACMG Guidelines, 2015. Collection method: clinical testing. Allele origin: germline.
Comment: The ABCA2 c.4630C>T variant is predicted to result in the amino acid substitution p.Arg1544Cys. To our knowledge, this variant has not been reported in the literature. This variant is reported in 0.018% of alleles in individuals of East Asian descent in gnomAD. At this time, the clinical significance of this variant is uncertain due to the absence of conclusive functional and genetic evidence.